The following is an entry in ClinVar:

ClinVar aggregate classification (germline): Pathogenic/Likely pathogenic. Review status: criteria provided, multiple submitters, no conflicts (2 of 4 stars). 4 submissions from 4 submitters: Pathogenic (2); Likely pathogenic (2). Last evaluated 2025-07-08.

Conditions:
Autosomal recessive limb-girdle muscular dystrophy. Identifiers: Orphanet 102015, MedGen C2931907, MONDO:0015152.
Autosomal recessive limb-girdle muscular dystrophy type 2C (LGMDR5). Also called: MUSCULAR DYSTROPHY, LIMB-GIRDLE, AUTOSOMAL RECESSIVE 5; MUSCULAR DYSTROPHY, DUCHENNE-LIKE. Identifiers: Orphanet 353, MedGen C0410173, MONDO:0009677, OMIM 253700. Disease mechanism: Affects gamma-sarcoglycan and also disrupts the integrity of the entire sarcoglycan complex..

Allele frequency attached by ClinVar (database versions not stated): gnomAD exomes below 0.00001.

Submissions (4):

Revvity Omics, Revvity
Classification: Pathogenic for Autosomal recessive limb-girdle muscular dystrophy type 2C. Last evaluated: 2025-07-08. Review status: criteria provided, single submitter. Criteria: ACMG Guidelines, 2015. Collection method: clinical testing. Allele origin: germline.

Labcorp Genetics (formerly Invitae), Labcorp
Classification: Likely pathogenic for Autosomal recessive limb-girdle muscular dystrophy type 2C. Last evaluated: 2024-01-29. Review status: criteria provided, single submitter. Criteria: Invitae Variant Classification Sherloc (09022015). Collection method: clinical testing. Allele origin: germline.
Comment: This sequence change affects an acceptor splice site in intron 4 of the SGCG gene. It is expected to disrupt RNA splicing. Variants that disrupt the donor or acceptor splice site typically lead to a loss of protein function (PMID: 16199547), and loss-of-function variants in SGCG are known to be pathogenic (PMID: 18285821). This variant is not present in population databases (gnomAD no frequency). This variant has not been reported in the literature in individuals affected with SGCG-related conditions. ClinVar contains an entry for this variant (Variation ID: 283980). Algorithms developed to predict the effect of sequence changes on RNA splicing suggest that this variant may disrupt the consensus splice site. In summary, the currently available evidence indicates that the variant is pathogenic, but additional data are needed to prove that conclusively. Therefore, this variant has been classified as Likely Pathogenic.

Women's Health and Genetics/Laboratory Corporation of America, LabCorp
Classification: Likely pathogenic for Autosomal recessive limb-girdle muscular dystrophy. Last evaluated: 2022-05-31. Review status: criteria provided, single submitter. Criteria: LabCorp Variant Classification Summary - May 2015. Collection method: clinical testing. Allele origin: germline.
Comment: Variant summary: SGCG c.386-2A>G is located in a canonical splice-site and is predicted to affect mRNA splicing resulting in a significantly altered protein due to either exon skipping, shortening, or inclusion of intronic material. Several computational tools predict a significant impact on normal splicing: Four predict the variant abolishes the canonical 3' splice acceptor site. However, these predictions have yet to be confirmed by functional studies. The variant was absent in 251246 control chromosomes. To our knowledge, no occurrence of c.386-2A>G in individuals affected with Limb-Girdle Muscular Dystrophy, Autosomal Recessive and no experimental evidence demonstrating its impact on protein function have been reported. One clinical diagnostic laboratory has submitted clinical-significance assessments for this variant to ClinVar after 2014 without evidence for independent evaluation and classified the variant as pathogenic. Based on the evidence outlined above, the variant was classified as likely pathogenic.

Eurofins Ntd Llc (ga)
Classification: Pathogenic. Last evaluated: 2015-10-13. Review status: criteria provided, single submitter. Criteria: EGL Classification Definitions 2015. Collection method: clinical testing. Allele origin: germline. Observed: 1 variant allele, 1 heterozygote.

Literature cited by the submitters: PubMed 16199547 (cited by Labcorp Genetics (formerly Invitae), Labcorp); PubMed 18285821 (cited by Labcorp Genetics (formerly Invitae), Labcorp).

NM_000231.3(SGCG):c.386-2A>G

Gene: SGCG (sarcoglycan gamma; plus strand). Cytogenetic location: 13q12.12.
Variant type: single nucleotide variant.
Coding change: c.386-2A>G on transcript NM_000231.3 (MANE Select); the canonical splice acceptor site of the intron before coding-DNA position 386, A replaced by G.
Molecular consequence: splice acceptor variant.
Genome position (GRCh38, 1-based): chr13:23,279,357, A>G. VCF-style: chr13-23279357-A-G. GRCh37 (hg19) VCF-style: chr13-23853496-A-G.
Other names: c.440-2A>G (NM_001378244.1); c.386-2A>G (NM_001378245.1, NM_001378246.1).
Identifiers: ClinVar variation 283980 (VCV000283980.12), dbSNP rs886042757, ClinGen allele CA10604647.